The following is an entry in ClinVar:

NM_033360.4(KRAS):c.*4619T>C

Gene: KRAS (KRas proto-oncogene, GTPase; minus strand). Cytogenetic location: 12p12.1.
Variant type: single nucleotide variant.
Coding change: c.*4619T>C on transcript NM_033360.4 (MANE Plus Clinical); 4619 bases downstream of the stop codon, T replaced by C.
Molecular consequence: 3 prime UTR variant.
Genome position (GRCh38, 1-based): chr12:25,205,297, A>G on the plus strand (T>C on the coding strand, the complement: KRAS is on the minus strand). VCF-style: chr12-25205297-A-G. GRCh37 (hg19) VCF-style: chr12-25358231-A-G.
Other names: c.*4619T>C (LRG_344t2, NM_001369786.1); c.*4498T>C (LRG_344t1, NM_001369787.1, NM_004985.5).
Identifiers: ClinVar variation 308054 (VCV000308054.29), dbSNP rs768891600, ClinGen allele CA10637049.

ClinVar aggregate classification (germline): Benign (1 of 4 stars; one submission).

Allele frequency attached by ClinVar (database versions not stated): gnomAD 0.00032 and 0.00035; TOPMed 0.00058; gnomAD exomes 0.00068.

Submission:

CeGaT Center for Human Genetics Tuebingen
Classification: Benign. Last evaluated: 2022-05-01. Review status: criteria provided, single submitter. Criteria: CeGaT Center For Human Genetics Tuebingen Variant Classification Criteria Version 2. Collection method: clinical testing. Allele origin: germline. Affected: yes. Observed: 1 variant allele.
Comment: KRAS: BS1, BS2